The following is an entry in ClinVar:

ClinVar aggregate classification (germline): Uncertain significance. Review status: criteria provided, multiple submitters, no conflicts (2 of 4 stars). 3 submissions from 3 submitters: Uncertain significance (3). Last evaluated 2024-02-20.

Conditions:
LAMA2-related muscular dystrophy (LAMA2-RD). Also called: Laminin alpha 2-related dystrophy. Identifiers: MedGen C5679788, MONDO:0100228.

Allele frequency attached by ClinVar (database versions not stated): gnomAD exomes below 0.00001; TOPMed below 0.00001.
gnomAD v4.1: 2 of 1,614,174 alleles (0.00012%); highest among the groups gnomAD compares: Non-Finnish European, 0.00017%; no homozygotes.

Submissions (3):

Labcorp Genetics (formerly Invitae), Labcorp
Classification: Uncertain significance for LAMA2-related muscular dystrophy. Last evaluated: 2024-02-20. Review status: criteria provided, single submitter. Criteria: Invitae Variant Classification Sherloc (09022015). Collection method: clinical testing. Allele origin: germline.
Comment: This sequence change replaces glutamine, which is neutral and polar, with proline, which is neutral and non-polar, at codon 557 of the LAMA2 protein (p.Gln557Pro). This variant is present in population databases (no rsID available, gnomAD 0.0009%). This variant has not been reported in the literature in individuals affected with LAMA2-related conditions. ClinVar contains an entry for this variant (Variation ID: 450152). Advanced modeling of protein sequence and biophysical properties (such as structural, functional, and spatial information, amino acid conservation, physicochemical variation, residue mobility, and thermodynamic stability) performed at Invitae indicates that this missense variant is not expected to disrupt LAMA2 protein function with a negative predictive value of 95%. In summary, the available evidence is currently insufficient to determine the role of this variant in disease. Therefore, it has been classified as a Variant of Uncertain Significance.

Revvity Omics, Revvity
Classification: Uncertain significance. Last evaluated: 2020-03-10. Review status: criteria provided, single submitter. Criteria: ACMG Guidelines, 2015. Collection method: clinical testing. Allele origin: germline.

GeneDx
Classification: Uncertain significance. Last evaluated: 2017-06-29. Review status: criteria provided, single submitter. Criteria: GeneDx Variant Classification (06012015). Collection method: clinical testing. Allele origin: germline. Affected: yes.
Comment: A variant of uncertain significance has been identified in the LAMA2 gene. The c.1670 A>C variant has not been published as a pathogenic variant, nor has it been reported as a benign variant to our knowledge. The c.1670 A>C variant is not observed in large population cohorts (Lek et al., 2016; 1000 Genomes Consortium et al., 2015; Exome Variant Server). Several in-silico splice prediction models predict that c.1670 A>C enhances a cryptic acceptor site which may supplant the natural donor/acceptor site and lead to abnormal gene splicing. However, in the absence of RNA/functional studies, the actual effect of this sequence change in this individual is unknown. If c.1670 A>C does not alter splicing, it will results in the Q557P missense change. The Q557P variant is a non-conservative amino acid substitution, which is likely to impact secondary protein structure as these residues differ in polarity, charge, size and/or other properties. However, this substitution occurs at a position that is not conserved. In silico analysis is inconsistent in its predictions as to whether or not the variant is damaging to the protein structure/function. Therefore, based on the currently available information, it is unclear whether this variant is a pathogenic variant or a rare benign variant.

NM_000426.4(LAMA2):c.1670A>C (p.Gln557Pro)

Gene: LAMA2 (laminin subunit alpha 2; plus strand). Cytogenetic location: 6q22.33.
Variant type: single nucleotide variant.
Coding change: c.1670A>C on transcript NM_000426.4 (MANE Select); coding-DNA position 1670, A replaced by C.
Protein change: p.Gln557Pro; replaces glutamine 557 with proline.
Molecular consequence: missense variant.
Genome position (GRCh38, 1-based): chr6:129,192,741, A>C. VCF-style: chr6-129192741-A-C. GRCh37 (hg19) VCF-style: chr6-129513886-A-C.
Other names: c.1670A>C, p.Gln557Pro (NM_001079823.2); short protein forms Q557P.
Identifiers: ClinVar variation 450152 (VCV000450152.7), dbSNP rs1333451961, ClinGen allele CA365608211.
Genomic context (GRCh38, chr6:129,192,741, plus strand): 5'-TACAAGATATGAGTGGCTGGTATCTGACTGACCTTCCTGGCCGCATTCGAGTGGCTCCCC[A>C]GCAGGACGACTTGGACTCACCTCAGCAGATCAGCATCAGTAACGCGGAGGCCCGGCAAGC-3'
Protein context (NP_000417.3, residues 547-567): DLPGRIRVAP[Gln557Pro]QDDLDSPQQI